The following is an entry in ClinVar:

ClinVar aggregate classification (germline): Uncertain significance (1 of 4 stars; one submission).

Submission:

GeneDx
Classification: Uncertain significance. Last evaluated: 2022-03-07. Review status: criteria provided, single submitter. Criteria: GeneDx Variant Classification Process June 2021. Collection method: clinical testing. Allele origin: germline. Affected: yes.
Comment: Not observed at significant frequency in large population cohorts (gnomAD); In silico analysis supports that this missense variant has a deleterious effect on protein structure/function; Has not been previously published as pathogenic or benign to our knowledge

NM_015335.5(MED13L):c.6554C>A (p.Thr2185Asn)

Gene: MED13L (mediator complex subunit 13L; minus strand). Cytogenetic location: 12q24.21.
Variant type: single nucleotide variant.
Coding change: c.6554C>A on transcript NM_015335.5 (MANE Select); coding-DNA position 6554, C replaced by A.
Protein change: p.Thr2185Asn; replaces threonine 2185 with asparagine.
Molecular consequence: missense variant.
Genome position (GRCh38, 1-based): chr12:115,961,345, G>T on the plus strand (C>A on the coding strand, the complement: MED13L is on the minus strand). VCF-style: chr12-115961345-G-T. GRCh37 (hg19) VCF-style: chr12-116399150-G-T.
Other names: short protein forms T2185N.
Identifiers: ClinVar variation 1704691 (VCV001704691.2), dbSNP rs1875742513, ClinGen allele CA386872711.